The following is an entry in ClinVar:

ClinVar aggregate classification (germline): Uncertain significance (1 of 4 stars; one submission).

Allele frequency attached by ClinVar (database versions not stated): gnomAD 0.00001; gnomAD exomes 0.00001.
gnomAD v4.1: 9 of 1,614,026 alleles (0.00056%); highest among the groups gnomAD compares: South Asian, 0.0088%; no homozygotes.

Submission:

Labcorp Genetics (formerly Invitae), Labcorp
Classification: Uncertain significance. Last evaluated: 2022-10-03. Review status: criteria provided, single submitter. Criteria: Invitae Variant Classification Sherloc (09022015). Collection method: clinical testing. Allele origin: germline.
Comment: In summary, the available evidence is currently insufficient to determine the role of this variant in disease. Therefore, it has been classified as a Variant of Uncertain Significance. Algorithms developed to predict the effect of sequence changes on RNA splicing suggest that this variant may disrupt the consensus splice site. This variant has not been reported in the literature in individuals affected with CHRNA3-related conditions. This variant is not present in population databases (gnomAD no frequency). This sequence change affects codon 66 of the CHRNA3 mRNA. It is a 'silent' change, meaning that it does not change the encoded amino acid sequence of the CHRNA3 protein.

NM_000743.5(CHRNA3):c.198G>A (p.Val66=)

Gene: CHRNA3 (cholinergic receptor nicotinic alpha 3 subunit; minus strand). Cytogenetic location: 15q25.1.
Variant type: single nucleotide variant.
Coding change: c.198G>A on transcript NM_000743.5 (MANE Select); coding-DNA position 198, G replaced by A.
Protein change: p.Val66=; no amino-acid change (valine 66 retained).
Molecular consequence: synonymous variant. On other transcripts: non-coding transcript variant (1).
Genome position (GRCh38, 1-based): chr15:78,618,800, C>T on the plus strand (G>A on the coding strand, the complement: CHRNA3 is on the minus strand). VCF-style: chr15-78618800-C-T. GRCh37 (hg19) VCF-style: chr15-78911142-C-T.
Other names: c.198G>A, p.Val66= (NM_001166694.2).
Identifiers: ClinVar variation 2191403 (VCV002191403.4), dbSNP rs878959316, ClinGen allele CA273881708.
Genomic context (GRCh38, chr15:78,618,800, plus strand): 5'-TCCCCATGGCCACGGCTCGTGGCTTCCAGCACTCACCACCTTCACCAGCTGAGACATGGA[C>T]ACCTCGAAATGGATGATGACTGGGTCAGACACGTTGGCTACAGGCCGGATGATCTCATTG-3'
Protein context (NP_000734.2, residues 56-76): VSDPVIIHFE[Val66=]SMSQLVKVDE